The following is an entry in ClinVar:

NM_000179.3(MSH6):c.958C>A (p.Pro320Thr)

Gene: MSH6 (mutS homolog 6; plus strand). Cytogenetic location: 2p16.3.
Variant type: single nucleotide variant.
Coding change: c.958C>A on transcript NM_000179.3 (MANE Select); coding-DNA position 958, C replaced by A.
Protein change: p.Pro320Thr; replaces proline 320 with threonine.
Molecular consequence: missense variant.
Genome position (GRCh38, 1-based): chr2:47,798,941, C>A. VCF-style: chr2-47798941-C-A. GRCh37 (hg19) VCF-style: chr2-48026080-C-A.
Other names: c.568C>A, p.Pro190Thr (NM_001281492.2); c.52C>A, p.Pro18Thr (NM_001281493.2, NM_001281494.2); short protein forms P18T, P190T, P320T.
Identifiers: ClinVar variation 1049063 (VCV001049063.6), dbSNP rs754879198, ClinGen allele CA073647.

ClinVar aggregate classification (germline): Conflicting classifications of pathogenicity. Review status: criteria provided, conflicting classifications (1 of 4 stars). 4 submissions from 4 submitters: Uncertain significance (2); Benign (1). 1 of the submissions does not count toward it. Last evaluated 2025-03-11.

Conditions:
Hereditary cancer-predisposing syndrome. Also called: Tumor predisposition; Hereditary neoplastic syndrome; Hereditary Cancer Syndrome; Neoplastic Syndromes, Hereditary. Identifiers: Orphanet 140162, MedGen C0027672, MeSH D009386, MONDO:0015356.
Hereditary nonpolyposis colorectal neoplasms. Identifiers: MedGen C0009405, MeSH D003123.
Endometrial carcinoma. Also called: Endometrial carcinoma, somatic. Identifiers: MedGen C0476089, MONDO:0002447, OMIM 608089, HP:0012114.

Allele frequency attached by ClinVar (database versions not stated): gnomAD exomes below 0.00001 and 0.00001; TOPMed below 0.00001; gnomAD 0.00001; ExAC 0.00002.
gnomAD v4.1: 2 of 1,614,036 alleles (0.00012%); highest among the groups gnomAD compares: African/African-American, 0.0013%; no homozygotes.

Submissions (4):

Labcorp Genetics (formerly Invitae), Labcorp
Classification: Benign for Hereditary nonpolyposis colorectal neoplasms. Last evaluated: 2025-03-11. Review status: criteria provided, single submitter. Criteria: Invitae Variant Classification Sherloc (09022015). Collection method: clinical testing. Allele origin: germline.

Ambry Genetics
Classification: Uncertain significance for Hereditary cancer-predisposing syndrome. Last evaluated: 2024-05-29. Review status: criteria provided, single submitter. Criteria: Ambry Variant Classification Scheme 2023. Collection method: clinical testing. Allele origin: germline.
Comment: The p.P320T variant (also known as c.958C>A), located in coding exon 4 of the MSH6 gene, results from a C to A substitution at nucleotide position 958. The proline at codon 320 is replaced by threonine, an amino acid with highly similar properties. This amino acid position is not well conserved in available vertebrate species. In addition, this alteration is predicted to be tolerated by in silico analysis. Based on the available evidence, the clinical significance of this variant remains unclear.

ARUP Laboratories, Molecular Genetics and Genomics, ARUP Laboratories
Classification: Uncertain significance. Last evaluated: 2023-02-28. Review status: criteria provided, single submitter. Criteria: ARUP Molecular Germline Variant Investigation Process 2024. Collection method: clinical testing. Allele origin: germline.
Comment: The MSH6 c.958C>A; p.Pro320Thr variant (rs754879198), to our knowledge, is not reported in the medical literature but is reported in ClinVar (Variation ID: 1049063). This variant is only observed on two alleles in the Genome Aggregation Database, indicating it is not a common polymorphism. Computational analyses predict that this variant is neutral (REVEL: 0.11). Due to limited information, the clinical significance of this variant is uncertain at this time.

Department of Pathology and Laboratory Medicine, Sinai Health System
Classification: Likely benign for Endometrial carcinoma. Review status: no assertion criteria provided. Collection method: clinical testing. Allele origin: unknown. Affected: yes. Study: The Canadian Open Genetics Repository (COGR). Not counted in ClinVar's aggregate classification.
Comment: The MSH6 p.Pro320Thr variant was found to have no impact on MSH6 using a bioinformatics tool (CoDP (Combination of the Different Properties) that integrated the prediction results of MAPP, PolyPhen-2, SIFT and 2 other structural properties (Terui 2013). The variant was identified in the following databases: dbSNP (ID: rs754879198) â€šÃ„ÃºWith Uncertain significance alleleâ€šÃ„Ã¹, ClinVar (classified as uncertain significance by Invitae), and in control databases in 1 of 246084 chromosomes at a frequency of 0.000004 (Genome Aggregation Consortium Feb 27, 2017); it was observed in the European Non-Finnish population in 1 of 111572 chromosomes (freq: 0.000009) and not in other populations. The variant was not identified in the following databases: COGR, Cosmic, MutDB, UMD-LSDB, Insight Colon Cancer, Zhejiang Colon Cancer, Mismatch Repair Genes, and the Insight Hereditary Tumors Database. The p.Pro320 residue is not conserved in mammals and four out of five computational analyses (PolyPhen-2, SIFT, AlignGVGD, BLOSUM, MutationTaster) do not suggest a high likelihood Thr impacts the protein; however, this information is not predictive enough to rule out pathogenicity. The variant occurs outside of the splicing consensus sequence and in silico or computational prediction software programs (SpliceSiteFinder, MaxEntScan, NNSPLICE, GeneSplicer, HumanSpliceFinder) do not predict a difference in splicing. In summary, based on the above information the clinical significance of this variant cannot be determined with certainty at this time although we would lean towards a more benign role for this variant. This variant is classified as likely benign.